The following is an entry in ClinVar:

NM_018417.6(ADCY10):c.3307A>G (p.Met1103Val)

Gene: ADCY10 (adenylate cyclase 10; minus strand). Cytogenetic location: 1q24.2.
Variant type: single nucleotide variant.
Coding change: c.3307A>G on transcript NM_018417.6 (MANE Select); coding-DNA position 3307, A replaced by G.
Protein change: p.Met1103Val; replaces methionine 1103 with valine.
Molecular consequence: missense variant.
Genome position (GRCh38, 1-based): chr1:167,836,311, T>C on the plus strand (A>G on the coding strand, the complement: ADCY10 is on the minus strand). VCF-style: chr1-167836311-T-C. GRCh37 (hg19) VCF-style: chr1-167805549-T-C.
Other names: c.2848A>G, p.Met950Val (NM_001167749.3); c.3031A>G, p.Met1011Val (NM_001297772.2); short protein forms M1011V, M1103V, M950V.
Identifiers: ClinVar variation 4780834 (VCV004780834.1).

ClinVar aggregate classification (germline): Uncertain significance (1 of 4 stars; one submission).

Submission:

Labcorp Genetics (formerly Invitae), Labcorp
Classification: Uncertain significance. Last evaluated: 2025-08-07. Review status: criteria provided, single submitter. Criteria: Invitae Variant Classification Sherloc (09022015). Collection method: clinical testing. Allele origin: germline.
Comment: This sequence change replaces methionine, which is neutral and non-polar, with valine, which is neutral and non-polar, at codon 1103 of the ADCY10 protein (p.Met1103Val). This variant is present in population databases (no rsID available, gnomAD 0.006%). This variant has not been reported in the literature in individuals affected with ADCY10-related conditions. An algorithm developed to predict the effect of missense changes on protein structure and function (PolyPhen-2) suggests that this variant is likely to be tolerated. In summary, the available evidence is currently insufficient to determine the role of this variant in disease. Therefore, it has been classified as a Variant of Uncertain Significance.